The following is an entry in ClinVar:

NM_203446.3(SYNJ1):c.-59G>A

Gene: SYNJ1 (synaptojanin 1; minus strand). Cytogenetic location: 21q22.11.
Variant type: single nucleotide variant.
Coding change: c.-59G>A on transcript NM_203446.3 (MANE Select); 59 bases upstream of the start codon, G replaced by A.
Molecular consequence: 5 prime UTR variant. On other transcripts: missense variant (1).
Genome position (GRCh38, 1-based): chr21:32,727,982, C>T on the plus strand (G>A on the coding strand, the complement: SYNJ1 is on the minus strand). VCF-style: chr21-32727982-C-T. GRCh37 (hg19) VCF-style: chr21-34100293-C-T.
Other names: c.59G>A, p.Gly20Asp (NM_003895.4); short protein forms G20D.
Identifiers: ClinVar variation 1305930 (VCV001305930.5), dbSNP rs771338654, ClinGen allele CA10004255.
Genomic context (GRCh38, chr21:32,727,982, plus strand): 5'-CCCGCCCCCCGCCGGCTTGCTCACCTCTTCCTCCGGCTCCTCCTCCTCCTTCTCCCGCAG[C>T]CGCCGCCACAGCCGCCGGGAGCGTCACTTCCGCTCCAGCAGGCCCATCTCTTCCGCATTG-3'

ClinVar aggregate classification (germline): Uncertain significance. Review status: criteria provided, multiple submitters, no conflicts (2 of 4 stars). 3 submissions from 3 submitters: Uncertain significance (3). Last evaluated 2024-11-09.

Conditions:
Inborn genetic diseases. Identifiers: MedGen C0950123, MeSH D030342.
Early-onset Parkinson disease 20. Also called: PARKINSON DISEASE 20, AUTOSOMAL RECESSIVE EARLY-ONSET. Identifiers: Orphanet 391411, MedGen C3809824, MONDO:0014233, OMIM 615530.
Developmental and epileptic encephalopathy, 53. Also called: Epileptic encephalopathy, early infantile, 53. Identifiers: MedGen C4479313, MONDO:0033362, OMIM 617389.

Allele frequency attached by ClinVar (database versions not stated): gnomAD exomes 0.00002.
gnomAD v4.1: 12 of 1,535,384 alleles (0.00078%); highest among the groups gnomAD compares: Non-Finnish European, 0.00079%; no homozygotes.

Submissions (3):

Ambry Genetics
Classification: Uncertain significance for Inborn genetic diseases. Last evaluated: 2024-11-09. Review status: criteria provided, single submitter. Criteria: Ambry Variant Classification Scheme 2023. Collection method: clinical testing. Allele origin: germline.

Labcorp Genetics (formerly Invitae), Labcorp
Classification: Uncertain significance for Developmental and epileptic encephalopathy, 53; Early-onset Parkinson disease 20. Last evaluated: 2022-07-12. Review status: criteria provided, single submitter. Criteria: Invitae Variant Classification Sherloc (09022015). Collection method: clinical testing. Allele origin: germline.
Comment: This sequence change replaces glycine, which is neutral and non-polar, with aspartic acid, which is acidic and polar, at codon 20 of the SYNJ1 protein (p.Gly20Asp). The frequency data for this variant in the population databases is considered unreliable, as metrics indicate poor data quality at this position in the gnomAD database. This variant has not been reported in the literature in individuals affected with SYNJ1-related conditions. ClinVar contains an entry for this variant (Variation ID: 1305930). Algorithms developed to predict the effect of missense changes on protein structure and function are either unavailable or do not agree on the potential impact of this missense change (SIFT: "Deleterious"; PolyPhen-2: "Benign"; Align-GVGD: "Class C0"). In summary, the available evidence is currently insufficient to determine the role of this variant in disease. Therefore, it has been classified as a Variant of Uncertain Significance.

GeneDx
Classification: Uncertain significance. Last evaluated: 2019-05-21. Review status: criteria provided, single submitter. Criteria: GeneDx Variant Classification Process June 2021. Collection method: clinical testing. Allele origin: germline. Affected: yes.
Comment: Not observed in large population cohorts (Lek et al., 2016); In silico analysis, which includes protein predictors and evolutionary conservation, supports that this variant does not alter protein structure/function; Has not been previously published as pathogenic or benign to our knowledge